The following is an entry in ClinVar:

NM_005245.4(FAT1):c.5522del (p.Ser1841fs)

Gene: FAT1 (FAT atypical cadherin 1; minus strand). Cytogenetic location: 4q35.2.
Variant type: Deletion.
Coding change: c.5522del on transcript NM_005245.4 (MANE Select); coding-DNA position 5522, one base deleted (G; older notation c.5522delG).
Protein change: p.Ser1841fs; shifts the reading frame from serine 1841.
Molecular consequence: frameshift variant.
Genome position (GRCh38, 1-based): chr4:186,621,064, C deleted on the plus strand (G on the coding strand, the reverse complement: FAT1 is on the minus strand). VCF-style (leftmost placement, unchanged base first): chr4-186621063-AC-A. GRCh37 (hg19) VCF-style: chr4-187542217-AC-A.
Other names: c.5522del, p.Ser1841fs (NM_001440455.1, NM_001440456.1, NM_001440457.1); short protein forms S1841fs.
Identifiers: ClinVar variation 4735781 (VCV004735781.1).

ClinVar aggregate classification (germline): Pathogenic (1 of 4 stars; one submission).

Submission:

Labcorp Genetics (formerly Invitae), Labcorp
Classification: Pathogenic. Last evaluated: 2026-01-19. Review status: criteria provided, single submitter. Criteria: Invitae Variant Classification Sherloc (09022015). Collection method: clinical testing. Allele origin: germline.
Comment: This sequence change creates a premature translational stop signal (p.Ser1841Ilefs*25) in the FAT1 gene. It is expected to result in an absent or disrupted protein product. Loss-of-function variants in FAT1 are known to be pathogenic (PMID: 30862798). This variant is not present in population databases (gnomAD no frequency). This variant has not been reported in the literature in individuals affected with FAT1-related conditions. For these reasons, this variant has been classified as Pathogenic.

Literature cited by the submitters: PubMed 30862798.